The following is an entry in ClinVar:

ClinVar aggregate classification (germline): Uncertain significance (1 of 4 stars; one submission).

Conditions:
Left ventricular noncompaction 1 (LVNC1). Also called: LEFT VENTRICULAR NONCOMPACTION 1 WITH OR WITHOUT CONGENITAL HEART DEFECTS. Identifiers: Orphanet 54260, MedGen C1858725, MONDO:0011403, OMIM 604169.

Allele frequency attached by ClinVar (database versions not stated): TOPMed 0.00001; gnomAD exomes 0.00002 and 0.00003; ExAC 0.00004.
gnomAD v4.1: 29 of 1,612,858 alleles (0.0018%); highest among the groups gnomAD compares: East Asian, 0.0089%; no homozygotes.

Submission:

Labcorp Genetics (formerly Invitae), Labcorp
Classification: Uncertain significance for Left ventricular noncompaction 1. Last evaluated: 2023-09-12. Review status: criteria provided, single submitter. Criteria: Invitae Variant Classification Sherloc (09022015). Collection method: clinical testing. Allele origin: germline.
Comment: This variant is present in population databases (rs766599616, gnomAD 0.01%). This variant has not been reported in the literature in individuals affected with DTNA-related conditions. ClinVar contains an entry for this variant (Variation ID: 952033). Algorithms developed to predict the effect of sequence changes on RNA splicing suggest that this variant may disrupt the consensus splice site. In summary, the available evidence is currently insufficient to determine the role of this variant in disease. Therefore, it has been classified as a Variant of Uncertain Significance. This sequence change falls in intron 5 of the DTNA gene. It does not directly change the encoded amino acid sequence of the DTNA protein.

NM_001386795.1(DTNA):c.604-7T>A

Gene: DTNA (dystrobrevin alpha; plus strand). Cytogenetic location: 18q12.1.
Variant type: single nucleotide variant.
Coding change: c.604-7T>A on transcript NM_001386795.1 (MANE Select); 7 bases into the intron before coding-DNA position 604, T replaced by A.
Molecular consequence: intron variant.
Genome position (GRCh38, 1-based): chr18:34,815,902, T>A. VCF-style: chr18-34815902-T-A. GRCh37 (hg19) VCF-style: chr18-32395866-T-A.
Other names: c.604-7T>A (NM_032975.4, NM_001386761.1, NM_001386762.1 and 34 more transcripts); c.603+3789T>A (NM_001198945.2).
Identifiers: ClinVar variation 952033 (VCV000952033.9), dbSNP rs766599616, ClinGen allele CA8935426.